The following is an entry in ClinVar:

ClinVar aggregate classification (germline): Conflicting classifications of pathogenicity. Review status: criteria provided, conflicting classifications (1 of 4 stars). 3 submissions from 3 submitters: Uncertain significance (1); Likely benign (2). Last evaluated 2025-12-15.

Conditions:
KBG syndrome (KBGS). Also called: ANKRD11-Related KBG Syndrome. Identifiers: Orphanet 2332, MedGen C0220687, MONDO:0007846, OMIM 148050.
Inborn genetic diseases. Identifiers: MedGen C0950123, MeSH D030342.

Allele frequency attached by ClinVar (database versions not stated): gnomAD 0.00012; TOPMed 0.00014.
gnomAD v4.1: 35 of 1,551,054 alleles (0.0023%); highest among the groups gnomAD compares: African/African-American, 0.038%; no homozygotes.

Submissions (3):

Labcorp Genetics (formerly Invitae), Labcorp
Classification: Uncertain significance for KBG syndrome. Last evaluated: 2025-12-15. Review status: criteria provided, single submitter. Criteria: Invitae Variant Classification Sherloc (09022015). Collection method: clinical testing. Allele origin: germline.
Comment: This sequence change replaces arginine, which is basic and polar, with cysteine, which is neutral and slightly polar, at codon 2232 of the ANKRD11 protein (p.Arg2232Cys). This variant is present in population databases (rs760007187, gnomAD 0.03%). This variant has not been reported in the literature in individuals affected with ANKRD11-related conditions. ClinVar contains an entry for this variant (Variation ID: 2049597). Invitae Evidence Modeling of protein sequence and biophysical properties (such as structural, functional, and spatial information, amino acid conservation, physicochemical variation, residue mobility, and thermodynamic stability) indicates that this missense variant is not expected to disrupt ANKRD11 protein function with a negative predictive value of 95%. In summary, the available evidence is currently insufficient to determine the role of this variant in disease. Therefore, it has been classified as a Variant of Uncertain Significance.

Ambry Genetics
Classification: Likely benign for Inborn genetic diseases. Last evaluated: 2024-07-30. Review status: criteria provided, single submitter. Criteria: Ambry Variant Classification Scheme 2023. Collection method: clinical testing. Allele origin: germline.

CeGaT Center for Human Genetics Tuebingen
Classification: Likely benign. Last evaluated: 2023-02-01. Review status: criteria provided, single submitter. Criteria: CeGaT Center For Human Genetics Tuebingen Variant Classification Criteria Version 2. Collection method: clinical testing. Allele origin: germline. Affected: yes. Observed: 1 variant allele.
Comment: ANKRD11: BP4

NM_013275.6(ANKRD11):c.6694C>T (p.Arg2232Cys)

Gene: ANKRD11 (ankyrin repeat domain 11; minus strand). Cytogenetic location: 16q24.3.
Variant type: single nucleotide variant.
Coding change: c.6694C>T on transcript NM_013275.6 (MANE Select); coding-DNA position 6694, C replaced by T.
Protein change: p.Arg2232Cys; replaces arginine 2232 with cysteine.
Molecular consequence: missense variant.
Genome position (GRCh38, 1-based): chr16:89,279,848, G>A on the plus strand (C>T on the coding strand, the complement: ANKRD11 is on the minus strand). VCF-style: chr16-89279848-G-A. GRCh37 (hg19) VCF-style: chr16-89346256-G-A.
Other names: c.6694C>T (NM_013275.4); c.6694C>T, p.Arg2232Cys (NM_001256182.2, NM_001256183.2); short protein forms R2232C.
Identifiers: ClinVar variation 2049597 (VCV002049597.29), dbSNP rs760007187, ClinGen allele CA8241364.